The following is an entry in ClinVar:

NM_001360016.2(G6PD):c.551C>A (p.Ser184Tyr)

Gene: G6PD (glucose-6-phosphate dehydrogenase; minus strand). Cytogenetic location: Xq28.
Variant type: single nucleotide variant.
Coding change: c.551C>A on transcript NM_001360016.2 (MANE Select); coding-DNA position 551, C replaced by A.
Protein change: p.Ser184Tyr; replaces serine 184 with tyrosine.
Molecular consequence: missense variant.
Genome position (GRCh38, 1-based): chrX:154,534,431, G>T on the plus strand (C>A on the coding strand, the complement: G6PD is on the minus strand). VCF-style: chrX-154534431-G-T. GRCh37 (hg19) VCF-style: chrX-153762646-G-T.
Other names: c.641C>A, p.Ser214Tyr (NM_000402.4); c.551C>A, p.Ser184Tyr (NM_001042351.3); short protein forms S184Y, S214Y.
Identifiers: ClinVar variation 3252614 (VCV003252614.2), dbSNP rs782315572.

ClinVar aggregate classification (germline): Uncertain significance (1 of 4 stars; one submission).

Submission:

GeneDx
Classification: Uncertain significance. Last evaluated: 2025-06-18. Review status: criteria provided, single submitter. Criteria: GeneDx Variant Classification Process June 2021. Collection method: clinical testing. Allele origin: germline.
Comment: Not observed at significant frequency in large population cohorts (gnomAD); In silico analysis supports that this missense variant has a deleterious effect on protein structure/function; Has not been previously published as pathogenic or benign to our knowledge